The following is an entry in ClinVar:

NM_001042492.3(NF1):c.6585G>A (p.Glu2195=)

Gene: NF1 (neurofibromin 1; plus strand). Cytogenetic location: 17q11.2.
Variant type: single nucleotide variant.
Coding change: c.6585G>A on transcript NM_001042492.3 (MANE Select); coding-DNA position 6585, G replaced by A.
Protein change: p.Glu2195=; no amino-acid change (glutamic acid 2195 retained).
Molecular consequence: synonymous variant.
Genome position (GRCh38, 1-based): chr17:31,337,525, G>A. VCF-style: chr17-31337525-G-A. GRCh37 (hg19) VCF-style: chr17-29664543-G-A.
Other names: c.6522G>A, p.Glu2174= (NM_000267.4).
Identifiers: ClinVar variation 232036 (VCV000232036.13), dbSNP rs202151774, ClinGen allele CA8487370.

ClinVar aggregate classification (germline): Benign/Likely benign. Review status: criteria provided, multiple submitters, no conflicts (2 of 4 stars). 6 submissions from 6 submitters: Benign (1); Likely benign (5). Last evaluated 2026-05-21.

Conditions:
Hereditary cancer-predisposing syndrome. Also called: Hereditary neoplastic syndrome; Neoplastic Syndromes, Hereditary; Hereditary Cancer Syndrome; Tumor predisposition. Identifiers: Orphanet 140162, MedGen C0027672, MeSH D009386, MONDO:0015356.
Neurofibromatosis, type 1 (NF1). Also called: NEUROFIBROMATOSIS, TYPE I, SOMATIC; Neurofibromatosis, type I; VON RECKLINGHAUSEN DISEASE; Peripheral type neurofibromatosis. Identifiers: Orphanet 636, MedGen C0027831, MONDO:0018975, OMIM 162200. Disease mechanism: loss of function.

Allele frequency attached by ClinVar (database versions not stated): 1000 Genomes Project 0.00020; ExAC 0.00001; gnomAD 0.00001 and 0.00002; 1000 Genomes Project 30x 0.00047; gnomAD exomes below 0.00001.
gnomAD v4.1: 8 of 1,614,116 alleles (0.0005%); highest among the groups gnomAD compares: African/African-American, 0.011%; no homozygotes.

Submissions (6):

Myriad Genetics, Inc.
Classification: Benign for Neurofibromatosis, type 1. Last evaluated: 2026-05-21. Review status: criteria provided, single submitter. Criteria: Myriad Autosomal Dominant, Autosomal Recessive and X-Linked Classification Criteria (2023). Collection method: clinical testing. Allele origin: unknown.
Comment: This variant is considered benign. This variant is a silent/synonymous amino acid change and it is not expected to impact splicing.

Labcorp Genetics (formerly Invitae), Labcorp
Classification: Likely benign for Neurofibromatosis, type 1. Last evaluated: 2025-10-06. Review status: criteria provided, single submitter. Criteria: Invitae Variant Classification Sherloc (09022015). Collection method: clinical testing. Allele origin: germline.

Genome-Nilou Lab
Classification: Likely benign for Neurofibromatosis, type 1. Last evaluated: 2022-03-15. Review status: criteria provided, single submitter. Criteria: ACMG Guidelines, 2015. Collection method: clinical testing. Allele origin: germline. Affected: no.

Sema4
Classification: Likely benign for Hereditary cancer-predisposing syndrome. Last evaluated: 2021-04-05. Review status: criteria provided, single submitter. Criteria: Sema4 Curation Guidelines. Collection method: curation. Allele origin: germline.

GeneDx
Classification: Likely benign. Last evaluated: 2018-03-28. Review status: criteria provided, single submitter. Criteria: GeneDx Variant Classification (06012015). Collection method: clinical testing. Allele origin: germline. Affected: yes.
Comment: This variant is considered likely benign or benign based on one or more of the following criteria: it is a conservative change, it occurs at a poorly conserved position in the protein, it is predicted to be benign by multiple in silico algorithms, and/or has population frequency not consistent with disease.

Ambry Genetics
Classification: Likely benign for Hereditary cancer-predisposing syndrome. Last evaluated: 2015-05-21. Review status: criteria provided, single submitter. Criteria: Ambry Autosomal Dominant and X-Linked criteria (10/2015). Collection method: clinical testing. Allele origin: germline. Observed: 1 variant allele.